The following is an entry in ClinVar:

ClinVar aggregate classification (germline): Conflicting classifications of pathogenicity. Review status: criteria provided, conflicting classifications (1 of 4 stars). 4 submissions from 4 submitters: Uncertain significance (2); Likely benign (1). 1 of the submissions does not count toward it. Last evaluated 2026-01-09.

Conditions:
ITGB4-related disorder. Also called: ITGB4-related condition.
Junctional epidermolysis bullosa with pyloric atresia. Also called: EPIDERMOLYSIS BULLOSA, JUNCTIONAL 5B, WITH PYLORIC ATRESIA; Junctional Epidermolysis Bullosa- Pyloric Atresia Syndrome; APLASIA CUTIS CONGENITA WITH GASTROINTESTINAL ATRESIA; CARMI SYNDROME; EB-PA-ACC; ITGB4-Related Epidermolysis Bullosa with Pyloric Atresia. Identifiers: Orphanet 79403, MedGen C5676875, MONDO:0009183, OMIM 226730.

Allele frequency attached by ClinVar (database versions not stated): gnomAD 0.00069 and 0.00067; TOPMed 0.00073; 1000 Genomes Project 0.00100; 1000 Genomes Project 30x 0.00078; ESP Exome Variant Server 0.00085; ExAC 0.00033; gnomAD exomes 0.00024.
gnomAD v4.1: 361 of 1,611,850 alleles (0.022%); highest among the groups gnomAD compares: African/African-American, 0.22%; 1 homozygote.

Submissions (4):

Labcorp Genetics (formerly Invitae), Labcorp
Classification: Likely benign. Last evaluated: 2026-01-09. Review status: criteria provided, single submitter. Criteria: Invitae Variant Classification Sherloc (09022015). Collection method: clinical testing. Allele origin: germline.

GeneDx
Classification: Uncertain significance. Last evaluated: 2022-01-18. Review status: criteria provided, single submitter. Criteria: GeneDx Variant Classification Process June 2021. Collection method: clinical testing. Allele origin: germline. Affected: yes.
Comment: In silico analysis supports that this missense variant does not alter protein structure/function; Has not been previously published as pathogenic or benign to our knowledge

Illumina Laboratory Services, Illumina
Classification: Uncertain significance for Junctional epidermolysis bullosa with pyloric atresia. Last evaluated: 2018-01-13. Review status: criteria provided, single submitter. Criteria: ICSL Variant Classification Criteria 13 December 2019. Collection method: clinical testing. Allele origin: germline.

PreventionGenetics, part of Exact Sciences
Classification: Likely benign for ITGB4-related condition. Last evaluated: 2022-07-28. Review status: no assertion criteria provided. Collection method: clinical testing. Allele origin: germline. Not counted in ClinVar's aggregate classification.
Comment: This variant is classified as likely benign based on ACMG/AMP sequence variant interpretation guidelines (Richards et al. 2015 PMID: 25741868, with internal and published modifications).

NM_000213.5(ITGB4):c.5243G>A (p.Arg1748His)

Genes: GALK1 (galactokinase 1; minus strand), ITGB4 (integrin subunit beta 4; plus strand). Cytogenetic location: 17q25.1.
Variant type: single nucleotide variant.
Coding change: c.5243G>A on transcript NM_000213.5 (MANE Select); coding-DNA position 5243, G replaced by A.
Protein change: p.Arg1748His; replaces arginine 1748 with histidine.
Molecular consequence: missense variant. On other transcripts: intron variant (1).
Genome position (GRCh38, 1-based): chr17:75,757,224, G>A. VCF-style: chr17-75757224-G-A. GRCh37 (hg19) VCF-style: chr17-73753305-G-A.
Other names: c.5192G>A, p.Arg1731His (NM_001005619.2); c.5033G>A, p.Arg1678His (NM_001005731.3, NM_001321123.2); c.4883G>A, p.Arg1628His (NM_001438834.1); c.*22+810C>T (NM_001381985.1); short protein forms R1678H, R1748H, R1731H, R1628H.
Identifiers: ClinVar variation 325216 (VCV000325216.11), dbSNP rs151053969, ClinGen allele CA8770529.